The following is an entry in ClinVar:

NC_000009.12:g.35658036G>C

Gene: RMRP (RNA component of mitochondrial RNA processing endoribonuclease; minus strand). Cytogenetic location: 9p13.3.
Variant type: single nucleotide variant.
Genome position: GRCh38 VCF-style: chr9-35658036-G-C. GRCh37 (hg19) VCF-style: chr9-35658033-G-C.
Identifiers: ClinVar variation 639092 (VCV000639092.6), dbSNP rs775303012, ClinGen allele CA192745772.

ClinVar aggregate classification (germline): Uncertain significance. Review status: criteria provided, single submitter (1 of 4 stars). 2 submissions from 2 submitters: Uncertain significance (1). 1 of the submissions does not count toward it. Last evaluated 2026-02-04.

Conditions:
Metaphyseal chondrodysplasia, McKusick type (CHH). Also called: Cartilage-Hair Hypoplasia (CHH); Cartilage-hair hypoplasia. Identifiers: Orphanet 175, MedGen C0220748, MONDO:0009595, OMIM 250250.
Anauxetic dysplasia. Identifiers: Orphanet 93347, MedGen C1846796, MONDO:0011773.

Allele frequency attached by ClinVar (database versions not stated): gnomAD 0.00015 and 0.00014; TOPMed 0.00022; gnomAD exomes 0.00013; 1000 Genomes Project 30x 0.00016.

Submissions (2):

Labcorp Genetics (formerly Invitae), Labcorp
Classification: Uncertain significance for Anauxetic dysplasia. Last evaluated: 2026-02-04. Review status: criteria provided, single submitter. Criteria: Invitae Variant Classification Sherloc (09022015). Collection method: clinical testing. Allele origin: germline.
Comment: This variant occurs in the RMRP gene, which encodes an RNA molecule that does not result in a protein product. This variant is present in population databases (rs775303012, gnomAD 0.2%). This variant has not been reported in the literature in individuals affected with RMRP-related conditions. ClinVar contains an entry for this variant (Variation ID: 639092). Experimental studies and prediction algorithms are not available or were not evaluated, and the functional significance of this variant is currently unknown. In summary, the available evidence is currently insufficient to determine the role of this variant in disease. Therefore, it has been classified as a Variant of Uncertain Significance.

Natera, Inc.
Classification: Uncertain significance for Cartilage-hair hypoplasia. Last evaluated: 2020-09-16. Review status: no assertion criteria provided. Collection method: clinical testing. Allele origin: germline. Not counted in ClinVar's aggregate classification.